The following is an entry in ClinVar:

NM_001572.5(IRF7):c.964C>T (p.Arg322Trp)

Gene: IRF7 (interferon regulatory factor 7; minus strand). Cytogenetic location: 11p15.5.
Variant type: single nucleotide variant.
Coding change: c.964C>T on transcript NM_001572.5 (MANE Select); coding-DNA position 964, C replaced by T.
Protein change: p.Arg322Trp; replaces arginine 322 with tryptophan.
Molecular consequence: missense variant.
Genome position (GRCh38, 1-based): chr11:613,479, G>A on the plus strand (C>T on the coding strand, the complement: IRF7 is on the minus strand). VCF-style: chr11-613479-G-A. GRCh37 (hg19) VCF-style: chr11-613479-G-A.
Other names: c.877C>T, p.Arg293Trp (NM_004029.4); c.1003C>T, p.Arg335Trp (NM_004031.4); c.1003C>T (NM_004031.2); short protein forms R293W, R322W, R335W.
Identifiers: ClinVar variation 2054442 (VCV002054442.5), dbSNP rs768545640, ClinGen allele CA5783623.

ClinVar aggregate classification (germline): Uncertain significance. Review status: criteria provided, multiple submitters, no conflicts (2 of 4 stars). 2 submissions from 2 submitters: Uncertain significance (2). Last evaluated 2025-11-13.

Conditions:
Immunodeficiency 39 (IMD39). Identifiers: Orphanet 574918, MedGen C4225358, MONDO:0014597, OMIM 616345.

Allele frequency attached by ClinVar (database versions not stated): TOPMed 0.00005; gnomAD 0.00007; ExAC 0.00006.
gnomAD v4.1: 51 of 1,542,212 alleles (0.0033%); highest among the groups gnomAD compares: South Asian, 0.038%; no homozygotes.

Submissions (2):

Ambry Genetics
Classification: Uncertain significance. Last evaluated: 2025-11-13. Review status: criteria provided, single submitter. Criteria: Ambry Variant Classification Scheme 2023. Collection method: clinical testing. Allele origin: germline.

Labcorp Genetics (formerly Invitae), Labcorp
Classification: Uncertain significance for Immunodeficiency 39. Last evaluated: 2024-05-23. Review status: criteria provided, single submitter. Criteria: Invitae Variant Classification Sherloc (09022015). Collection method: clinical testing. Allele origin: germline.
Comment: This sequence change replaces arginine, which is basic and polar, with tryptophan, which is neutral and slightly polar, at codon 335 of the IRF7 protein (p.Arg335Trp). This variant is present in population databases (rs768545640, gnomAD 0.04%). This variant has not been reported in the literature in individuals affected with IRF7-related conditions. ClinVar contains an entry for this variant (Variation ID: 2054442). Advanced modeling of protein sequence and biophysical properties (such as structural, functional, and spatial information, amino acid conservation, physicochemical variation, residue mobility, and thermodynamic stability) performed at Invitae indicates that this missense variant is not expected to disrupt IRF7 protein function with a negative predictive value of 80%. In summary, the available evidence is currently insufficient to determine the role of this variant in disease. Therefore, it has been classified as a Variant of Uncertain Significance.